The following is an entry in ClinVar:

ClinVar aggregate classification (germline): Uncertain significance (1 of 4 stars; one submission).

Conditions:
Brown-Vialetto-van Laere syndrome 1. Also called: BROWN-VIALETTO-VAN LAERE SYNDROME 1, MILD; BULBAR PALSY, PROGRESSIVE, WITH SENSORINEURAL DEAFNESS; PONTOBULBAR PALSY WITH DEAFNESS. Identifiers: Orphanet 572550, Orphanet 97229, MedGen C0796274, MONDO:0024537, OMIM 211530.

Allele frequency attached by ClinVar (database versions not stated): TOPMed 0.00103; gnomAD 0.00111 and 0.00113; 1000 Genomes Project 30x 0.00094; 1000 Genomes Project 0.00060.

Submission:

Undiagnosed Diseases Network, NIH
Classification: Uncertain significance for Brown-Vialetto-van Laere syndrome 1. Last evaluated: 2016-03-02. Review status: criteria provided, single submitter. Criteria: ACMG Guidelines, 2015. Collection method: clinical testing. Allele origin: maternal. Affected: yes. Observed: 1 compound heterozygote.

NC_000020.11:g.759188G>A

Gene: SLC52A3 (solute carrier family 52 member 3; minus strand). Cytogenetic location: 20p13.
Variant type: single nucleotide variant.
Genome position: GRCh38 VCF-style: chr20-759188-G-A. GRCh37 (hg19) VCF-style: chr20-739832-G-A.
Identifiers: ClinVar variation 453292 (VCV000453292.4), dbSNP rs544939272, ClinGen allele CA310672074.